The following is an entry in ClinVar:

NM_001367916.1(MAGT1):c.10C>T (p.Arg4Cys)

Genes: MAGT1 (magnesium transporter 1; minus strand), LOC130068460 (ATAC-STARR-seq lymphoblastoid active region 29781; plus strand). Cytogenetic location: Xq21.1.
Variant type: single nucleotide variant.
Coding change: c.10C>T on transcript NM_001367916.1 (MANE Select); coding-DNA position 10, C replaced by T.
Protein change: p.Arg4Cys; replaces arginine 4 with cysteine.
Molecular consequence: missense variant.
Genome position (GRCh38, 1-based): chrX:77,895,401, G>A on the plus strand (C>T on the coding strand, the complement: MAGT1 is on the minus strand). VCF-style: chrX-77895401-G-A. GRCh37 (hg19) VCF-style: chrX-77150898-G-A.
Other names: c.106C>T, p.Arg36Cys (NM_032121.5); short protein forms R36C, R4C.
Identifiers: ClinVar variation 969938 (VCV000969938.10), dbSNP rs782261030, ClinGen allele CA10458612.

ClinVar aggregate classification (germline): Uncertain significance (1 of 4 stars; one submission).

Conditions:
X-linked immunodeficiency with magnesium defect, Epstein-Barr virus infection and neoplasia. Identifiers: Orphanet 317476, MedGen C3275445, MONDO:0010455, OMIM 300853.

Allele frequency attached by ClinVar (database versions not stated): ExAC 0.00001; gnomAD exomes 0.00001; TOPMed 0.00001; gnomAD 0.00002.
gnomAD v4.1: 9 of 1,210,243 alleles (0.00074%); highest among the groups gnomAD compares: Non-Finnish European, 0.001%; no homozygotes.

Submission:

Labcorp Genetics (formerly Invitae), Labcorp
Classification: Uncertain significance for X-linked immunodeficiency with magnesium defect, Epstein-Barr virus infection and neoplasia. Last evaluated: 2019-10-09. Review status: criteria provided, single submitter. Criteria: Invitae Variant Classification Sherloc (09022015). Collection method: clinical testing. Allele origin: germline.
Comment: In summary, the available evidence is currently insufficient to determine the role of this variant in disease. Therefore, it has been classified as a Variant of Uncertain Significance. Algorithms developed to predict the effect of missense changes on protein structure and function (SIFT, PolyPhen-2, Align-GVGD) all suggest that this variant is likely to be tolerated, but these predictions have not been confirmed by published functional studies and their clinical significance is uncertain. This variant has not been reported in the literature in individuals with MAGT1-related conditions. This variant is present in population databases (rs782261030, ExAC 0.002%). This sequence change replaces arginine with cysteine at codon 36 of the MAGT1 protein (p.Arg36Cys). The arginine residue is weakly conserved and there is a large physicochemical difference between arginine and cysteine.